The following is an entry in ClinVar:

NM_024537.4(CARS2):c.1499T>G (p.Phe500Cys)

Gene: CARS2 (cysteinyl-tRNA synthetase 2, mitochondrial; minus strand). Cytogenetic location: 13q34.
Variant type: single nucleotide variant.
Coding change: c.1499T>G on transcript NM_024537.4 (MANE Select); coding-DNA position 1499, T replaced by G.
Protein change: p.Phe500Cys; replaces phenylalanine 500 with cysteine.
Molecular consequence: missense variant. On other transcripts: non-coding transcript variant (2).
Genome position (GRCh38, 1-based): chr13:110,642,439, A>C on the plus strand (T>G on the coding strand, the complement: CARS2 is on the minus strand). VCF-style: chr13-110642439-A-C. GRCh37 (hg19) VCF-style: chr13-111294786-A-C.
Other names: c.713T>G, p.Phe238Cys (NM_001352252.2); short protein forms F238C, F500C.
Identifiers: ClinVar variation 1938573 (VCV001938573.2), dbSNP rs2501745228, ClinGen allele CA388740436.

ClinVar aggregate classification (germline): Uncertain significance (1 of 4 stars; one submission).

Conditions:
Combined oxidative phosphorylation defect type 27. Also called: Combined oxidative phosphorylation deficiency 27. Identifiers: Orphanet 477774, MedGen C5567608, MONDO:0014728, OMIM 616672.

Allele frequency attached by ClinVar (database versions not stated): gnomAD exomes below 0.00001.
gnomAD v4.1: 1 of 1,607,008 alleles (0.000062%); highest among the groups gnomAD compares: Non-Finnish European, 0.000085%; no homozygotes.

Submission:

Labcorp Genetics (formerly Invitae), Labcorp
Classification: Uncertain significance for Combined oxidative phosphorylation defect type 27. Last evaluated: 2022-07-15. Review status: criteria provided, single submitter. Criteria: Invitae Variant Classification Sherloc (09022015). Collection method: clinical testing. Allele origin: germline.
Comment: This sequence change replaces phenylalanine, which is neutral and non-polar, with cysteine, which is neutral and slightly polar, at codon 500 of the CARS2 protein (p.Phe500Cys). This variant is not present in population databases (gnomAD no frequency). This variant has not been reported in the literature in individuals affected with CARS2-related conditions. Algorithms developed to predict the effect of missense changes on protein structure and function are either unavailable or do not agree on the potential impact of this missense change (SIFT: "Tolerated"; PolyPhen-2: "Possibly Damaging"; Align-GVGD: "Class C25"). In summary, the available evidence is currently insufficient to determine the role of this variant in disease. Therefore, it has been classified as a Variant of Uncertain Significance.